The following is an entry in ClinVar:

NM_000404.4(GLB1):c.2010dup (p.Asp671fs)

Gene: GLB1 (galactosidase beta 1; minus strand). Cytogenetic location: 3p22.3.
Variant type: Duplication.
Coding change: c.2010dup on transcript NM_000404.4 (MANE Select); coding-DNA position 2010, one base duplicated (A; older notation c.2010dupA).
Protein change: p.Asp671fs; shifts the reading frame from aspartic acid 671.
Molecular consequence: frameshift variant. On other transcripts: intron variant (1).
Genome position (GRCh38, 1-based): chr3:32,997,069, T duplicated on the plus strand (A on the coding strand, the reverse complement: GLB1 is on the minus strand); the first of 3 consecutive T bases (chr3:32,997,069-32,997,071); duplicating any one gives the same sequence. VCF-style (leftmost placement, unchanged base first): chr3-32997068-C-CT. GRCh37 (hg19) VCF-style: chr3-33038560-C-CT.
Other names: c.1920dup, p.Asp641fs (NM_001079811.3); c.1617dup, p.Asp540fs (NM_001135602.3); c.2154dup, p.Asp719fs (NM_001317040.2); c.1734+16987dup (NM_001393580.1); short protein forms D540fs, D641fs, D671fs, D719fs.
Identifiers: ClinVar variation 1699503 (VCV001699503.3), dbSNP rs1165249729, ClinGen allele CA542612758.

ClinVar aggregate classification (germline): Uncertain significance (1 of 4 stars; one submission).

Conditions:
Infantile GM1 gangliosidosis. Also called: GM1 gangliosidosis type 1; Gangliosidosis, Generalized GM1, Type 1; GM1-gangliosidosis, type I; Gangliosidosis, generalized GM1, infantile form; GLB1 deficiency. Identifiers: Orphanet 354, Orphanet 79255, MedGen C0268271, MONDO:0009260, OMIM 230500.

Submission:

Victorian Clinical Genetics Services, Murdoch Childrens Research Institute
Classification: Uncertain significance for Infantile GM1 gangliosidosis. Last evaluated: 2022-06-24. Review status: criteria provided, single submitter. Criteria: ACMG Guidelines, 2015. Collection method: clinical testing. Allele origin: germline. Inheritance: Autosomal recessive inheritance.
Comment: Based on the classification scheme VCGS_Germline_v1.3.4, this variant is classified as VUS-3B. Following criteria are met: 0102 - Loss of function is a known mechanism of disease in this gene and is associated with GM1-gangliosidosis (MIM#230500). (I) 0106 - This gene is associated with autosomal recessive disease. (I) 0208 - Variant is predicted to result in an elongated protein. (SP) 0251 - This variant is heterozygous. (I) 0304 - Variant is present in gnomAD (v2) <0.01 for a recessive condition (1 heterozygote, 0 homozygotes). (SP) 0604 - Variant is not located in an established domain, motif, hotspot or informative constraint region. (I) 0710 - Another elongation variant comparable to the one identified in this case has inconclusive previous evidence for pathogenicity. This variant (p.(Asp671Ile*15)) has been classified as a VUS (ClinVar). (I) 0807 - This variant has no previous evidence of pathogenicity. (I) 0905 - No published segregation evidence has been identified for this variant. (I) 1007 - No published functional evidence has been identified for this variant. (I) Legend: (SP) - Supporting pathogenic, (I) - Information, (SB) - Supporting benign